The following is an entry in ClinVar:

ClinVar aggregate classification (germline): Conflicting classifications of pathogenicity. Review status: criteria provided, conflicting classifications (1 of 4 stars). 2 submissions from 2 submitters: Likely pathogenic (1); Uncertain significance (1). Last evaluated 2022-08-07.

Conditions:
Tip-toe gait. Also called: Toe walking. Identifiers: MedGen C0427144, HP:0030051.
Glycogen storage disease, type V (GSD5). Also called: MCARDLE DISEASE; MUSCLE GLYCOGEN PHOSPHORYLASE DEFICIENCY; MYOPHOSPHORYLASE DEFICIENCY; PYGM DEFICIENCY; McArdle type glycogen storage disease. Identifiers: Orphanet 368, MedGen C0017924, MONDO:0009293, OMIM 232600.

Allele frequency attached by ClinVar (database versions not stated): ExAC 0.00001; TOPMed 0.00002; gnomAD exomes 0.00006 and 0.00002; gnomAD 0.00002.
gnomAD v4.1: 84 of 1,608,400 alleles (0.0052%); highest among the groups gnomAD compares: Non-Finnish European, 0.0067%; no homozygotes.

Submissions (2):

Labcorp Genetics (formerly Invitae), Labcorp
Classification: Uncertain significance for Glycogen storage disease, type V. Last evaluated: 2022-08-07. Review status: criteria provided, single submitter. Criteria: Invitae Variant Classification Sherloc (09022015). Collection method: clinical testing. Allele origin: germline.
Comment: This sequence change replaces arginine, which is basic and polar, with cysteine, which is neutral and slightly polar, at codon 439 of the PYGM protein (p.Arg439Cys). The frequency data for this variant in the population databases is considered unreliable, as metrics indicate poor data quality at this position in the gnomAD database. This variant has not been reported in the literature in individuals affected with PYGM-related conditions. ClinVar contains an entry for this variant (Variation ID: 1344575). Algorithms developed to predict the effect of missense changes on protein structure and function are either unavailable or do not agree on the potential impact of this missense change (SIFT: "Not Available"; PolyPhen-2: "Possibly Damaging"; Align-GVGD: "Not Available"). In summary, the available evidence is currently insufficient to determine the role of this variant in disease. Therefore, it has been classified as a Variant of Uncertain Significance.

Practice for Gait Abnormalities, David Pomarino, Competency Network Toe Walking C/o Practice Pomarino
Classification: Likely pathogenic for Tip-toe gait. Review status: criteria provided, single submitter. Criteria: ACMG Guidelines, 2015. Collection method: clinical testing. Allele origin: germline. Affected: yes.
Comment: Toe Walking has various causes, ranging from idiopathic or habitual reasons to an underlying neuromuscular disease. The most observed form of toe walking is idiopathic toe walking (ITW) - a diagnosis of exclusion. ITW occurs in about 5% of children after their second birthday and is a common problem in pediatric orthopedics. In about 70% of these cases, there is spontaneous remission within six months of the onset of ITW. If the toe walk persists, one can assume the presence of a non-idiopathic form of toe walk (n-ITW). In n-ITW, the causes of the abnormal gait are neurological or myogenic. Differential diagnoses such as infantile cerebral palsy, muscular dystrophy, spinal amyotrophy and hereditary motor-sensory neuropathy as well as rare metabolic disorders of the musculature must be considered (Pomarino et al., 2018). In our clinical ITW consultation, we screen children with n-ITW for a genetic form of tiptoe gait using next generation sequencing for gene variants in 49 genes. These are genes in which gene variants can lead to neuromuscular diseases in which an association with toe-tapping gait has been reported or can be suspected due to patients’ clinical symptoms. To the best of our knowledge, this is the first study in which several patients with toe walking displayed heterozygosity for pathogenic or likely pathogenic PYGM mutations and mild symptoms of the metabolic muscle disease McArdle. The findings of our research are in line with recently published observations in heterozygous family members patients with McArdle disease. We should mention that some of the patients in our cohort harbored heterozygous variants in other genes of our gene panel. However, the numbers in this study were too small to workout any resulting combined genetic effects. It is concluded that genetic conditions can contribute to the development of toe walking. Apparently, even a slight genetic weakening of the muscles can lead to changes to the gait pattern. Future studies must show how the pathomechanism can be explained for the PYGM variants and whether there are new therapeutic approaches to be developed based on this research.

Literature cited by the submitters: PubMed 29881221 (cited by Practice for Gait Abnormalities, David Pomarino, Competency Network Toe Walking C/o Practice Pomarino); DOI 10.1016/j.rchot.2016.09.001 (cited by Practice for Gait Abnormalities, David Pomarino, Competency Network Toe Walking C/o Practice Pomarino); DOI 10.51793/OS.2022.25.6.010 (cited by Practice for Gait Abnormalities, David Pomarino, Competency Network Toe Walking C/o Practice Pomarino).

NM_005609.4(PYGM):c.1315C>T (p.Arg439Cys)

Gene: PYGM (glycogen phosphorylase, muscle associated; minus strand). Cytogenetic location: 11q13.1.
Variant type: single nucleotide variant.
Coding change: c.1315C>T on transcript NM_005609.4 (MANE Select); coding-DNA position 1315, C replaced by T.
Protein change: p.Arg439Cys; replaces arginine 439 with cysteine.
Molecular consequence: missense variant.
Genome position (GRCh38, 1-based): chr11:64,753,607, G>A on the plus strand (C>T on the coding strand, the complement: PYGM is on the minus strand). VCF-style: chr11-64753607-G-A. GRCh37 (hg19) VCF-style: chr11-64521079-G-A.
Other names: c.1051C>T, p.Arg351Cys (NM_001164716.1); short protein forms R351C, R439C.
Identifiers: ClinVar variation 1344575 (VCV001344575.5), dbSNP rs758774720, ClinGen allele CA6079917.